The following is an entry in ClinVar:

NM_017999.5(RNF31):c.2006C>T (p.Thr669Ile)

Gene: RNF31 (ring finger protein 31; plus strand). Cytogenetic location: 14q12.
Variant type: single nucleotide variant.
Coding change: c.2006C>T on transcript NM_017999.5 (MANE Select); coding-DNA position 2006, C replaced by T.
Protein change: p.Thr669Ile; replaces threonine 669 with isoleucine.
Molecular consequence: missense variant.
Genome position (GRCh38, 1-based): chr14:24,151,868, C>T. VCF-style: chr14-24151868-C-T. GRCh37 (hg19) VCF-style: chr14-24621077-C-T.
Other names: c.1553C>T, p.Thr518Ile (NM_001310332.2); short protein forms T518I, T669I.
Identifiers: ClinVar variation 2991240 (VCV002991240.3), dbSNP rs1216780291, ClinGen allele CA389299021.

ClinVar aggregate classification (germline): Uncertain significance (1 of 4 stars; one submission).

Allele frequency attached by ClinVar (database versions not stated): gnomAD exomes 0.00001.
gnomAD v4.1: 12 of 1,614,190 alleles (0.00074%); highest among the groups gnomAD compares: Non-Finnish European, 0.001%; no homozygotes.

Submission:

Labcorp Genetics (formerly Invitae), Labcorp
Classification: Uncertain significance. Last evaluated: 2023-06-09. Review status: criteria provided, single submitter. Criteria: Invitae Variant Classification Sherloc (09022015). Collection method: clinical testing. Allele origin: germline.
Comment: In summary, the available evidence is currently insufficient to determine the role of this variant in disease. Therefore, it has been classified as a Variant of Uncertain Significance. An algorithm developed to predict the effect of missense changes on protein structure and function (PolyPhen-2) suggests that this variant is likely to be disruptive. This variant has not been reported in the literature in individuals affected with RNF31-related conditions. This variant is present in population databases (no rsID available, gnomAD 0.0009%). This sequence change replaces threonine, which is neutral and polar, with isoleucine, which is neutral and non-polar, at codon 669 of the RNF31 protein (p.Thr669Ile).